The following is an entry in ClinVar:

NM_199420.4(POLQ):c.6842G>C (p.Gly2281Ala)

Gene: POLQ (DNA polymerase theta; minus strand). Cytogenetic location: 3q13.33.
Variant type: single nucleotide variant.
Coding change: c.6842G>C on transcript NM_199420.4 (MANE Select); coding-DNA position 6842, G replaced by C.
Protein change: p.Gly2281Ala; replaces glycine 2281 with alanine.
Molecular consequence: missense variant.
Genome position (GRCh38, 1-based): chr3:121,468,308, C>G on the plus strand (G>C on the coding strand, the complement: POLQ is on the minus strand). VCF-style: chr3-121468308-C-G. GRCh37 (hg19) VCF-style: chr3-121187155-C-G.
Other names: short protein forms G2281A.
Identifiers: ClinVar variation 3308610 (VCV003308610.1).
Genomic context (GRCh38, chr3:121,468,308, plus strand): 5'-TGAGCCATTCATACTTACAAAAGTTTATTAATACAGATACAGAGAAACAGCACCTACCTG[C>G]CCATGGGAAGTAGGCCTTTGCCTACAGCTTGAGAAGGTGGGCTTTCTCCTACTAGTGTTG-3'
Protein context (NP_955452.3, residues 2271-2291): QAVGKGLLPM[Gly2281Ala]RGKYKKGFSV

ClinVar aggregate classification (germline): Uncertain significance (1 of 4 stars; one submission).

Submission:

Ambry Genetics
Classification: Uncertain significance. Last evaluated: 2024-03-28. Review status: criteria provided, single submitter. Criteria: Ambry Variant Classification Scheme 2023. Collection method: clinical testing. Allele origin: germline.
Comment: The p.G2281A variant (also known as c.6842G>C), located in coding exon 23 of the POLQ gene, results from a G to C substitution at nucleotide position 6842. The glycine at codon 2281 is replaced by alanine, an amino acid with similar properties. This amino acid position is conserved. In addition, this alteration is predicted to be tolerated by in silico analysis. Based on the available evidence, the clinical significance of this alteration remains unclear.